The following is an entry in ClinVar:

ClinVar aggregate classification (germline): Uncertain significance. Review status: criteria provided, multiple submitters, no conflicts (2 of 4 stars). 2 submissions from 2 submitters: Uncertain significance (2). Last evaluated 2025-01-16.

Conditions:
Hypertrophic cardiomyopathy. Also called: HYPERTROPHIC MYOCARDIOPATHY. Identifiers: Orphanet 217569, MedGen C0007194, MeSH D002312, MONDO:0005045, HP:0001639.

Submissions (2):

Ambry Genetics
Classification: Uncertain significance. Last evaluated: 2025-01-16. Review status: criteria provided, single submitter. Criteria: Ambry Variant Classification Scheme 2023. Collection method: clinical testing. Allele origin: germline.

Labcorp Genetics (formerly Invitae), Labcorp
Classification: Uncertain significance for Hypertrophic cardiomyopathy. Last evaluated: 2024-08-06. Review status: criteria provided, single submitter. Criteria: Invitae Variant Classification Sherloc (09022015). Collection method: clinical testing. Allele origin: germline.
Comment: This sequence change replaces leucine, which is neutral and non-polar, with proline, which is neutral and non-polar, at codon 1375 of the MYOM1 protein (p.Leu1375Pro). This variant is not present in population databases (gnomAD no frequency). This variant has not been reported in the literature in individuals affected with MYOM1-related conditions. ClinVar contains an entry for this variant (Variation ID: 1510139). Advanced modeling of protein sequence and biophysical properties (such as structural, functional, and spatial information, amino acid conservation, physicochemical variation, residue mobility, and thermodynamic stability) performed at Invitae indicates that this missense variant is not expected to disrupt MYOM1 protein function with a negative predictive value of 80%. In summary, the available evidence is currently insufficient to determine the role of this variant in disease. Therefore, it has been classified as a Variant of Uncertain Significance.

NM_003803.4(MYOM1):c.4124T>C (p.Leu1375Pro)

Gene: MYOM1 (myomesin 1; minus strand). Cytogenetic location: 18p11.31.
Variant type: single nucleotide variant.
Coding change: c.4124T>C on transcript NM_003803.4 (MANE Select); coding-DNA position 4124, T replaced by C.
Protein change: p.Leu1375Pro; replaces leucine 1375 with proline.
Molecular consequence: missense variant.
Genome position (GRCh38, 1-based): chr18:3,089,187, A>G on the plus strand (T>C on the coding strand, the complement: MYOM1 is on the minus strand). VCF-style: chr18-3089187-A-G. GRCh37 (hg19) VCF-style: chr18-3089185-A-G.
Other names: c.4124T>C (NM_003803.3); c.3836T>C, p.Leu1279Pro (NM_019856.2); short protein forms L1279P, L1375P.
Identifiers: ClinVar variation 1510139 (VCV001510139.7), dbSNP rs2143704467, ClinGen allele CA401711857.